The following is an entry in ClinVar:

ClinVar aggregate classification (germline): Uncertain significance (1 of 4 stars; one submission).

Allele frequency attached by ClinVar (database versions not stated): gnomAD exomes 0.00001.
gnomAD v4.1: 13 of 1,613,782 alleles (0.00081%); highest among the groups gnomAD compares: Middle Eastern, 0.05%; no homozygotes.

Submission:

Labcorp Genetics (formerly Invitae), Labcorp
Classification: Uncertain significance. Last evaluated: 2022-07-30. Review status: criteria provided, single submitter. Criteria: Invitae Variant Classification Sherloc (09022015). Collection method: clinical testing. Allele origin: germline.
Comment: This sequence change replaces arginine, which is basic and polar, with cysteine, which is neutral and slightly polar, at codon 561 of the CEP152 protein (p.Arg561Cys). This variant is present in population databases (no rsID available, gnomAD 0.006%). This variant has not been reported in the literature in individuals affected with CEP152-related conditions. Algorithms developed to predict the effect of missense changes on protein structure and function (SIFT, PolyPhen-2, Align-GVGD) all suggest that this variant is likely to be disruptive. In summary, the available evidence is currently insufficient to determine the role of this variant in disease. Therefore, it has been classified as a Variant of Uncertain Significance.

NM_001194998.2(CEP152):c.1681C>T (p.Arg561Cys)

Gene: CEP152 (centrosomal protein 152; minus strand). Cytogenetic location: 15q21.1.
Variant type: single nucleotide variant.
Coding change: c.1681C>T on transcript NM_001194998.2 (MANE Select); coding-DNA position 1681, C replaced by T.
Protein change: p.Arg561Cys; replaces arginine 561 with cysteine.
Molecular consequence: missense variant.
Genome position (GRCh38, 1-based): chr15:48,772,588, G>A on the plus strand (C>T on the coding strand, the complement: CEP152 is on the minus strand). VCF-style: chr15-48772588-G-A. GRCh37 (hg19) VCF-style: chr15-49064785-G-A.
Other names: c.1681C>T, p.Arg561Cys (NM_014985.4); short protein forms R561C.
Identifiers: ClinVar variation 1913441 (VCV001913441.2), dbSNP rs1447022316, ClinGen allele CA392351629.